The following is an entry in ClinVar:

NM_133497.4(KCNV2):c.866C>T (p.Ser289Leu)

Gene: KCNV2 (potassium voltage-gated channel modifier subfamily V member 2; plus strand). Cytogenetic location: 9p24.2.
Variant type: single nucleotide variant.
Coding change: c.866C>T on transcript NM_133497.4 (MANE Select); coding-DNA position 866, C replaced by T.
Protein change: p.Ser289Leu; replaces serine 289 with leucine.
Molecular consequence: missense variant.
Genome position (GRCh38, 1-based): chr9:2,718,605, C>T. VCF-style: chr9-2718605-C-T. GRCh37 (hg19) VCF-style: chr9-2718605-C-T.
Other names: short protein forms S289L.
Identifiers: ClinVar variation 961429 (VCV000961429.8), dbSNP rs569992163, ClinGen allele CA4965655.

ClinVar aggregate classification (germline): Uncertain significance (1 of 4 stars; one submission).

Allele frequency attached by ClinVar (database versions not stated): TOPMed 0.00001; 1000 Genomes Project 0.00020; 1000 Genomes Project 30x 0.00047.
gnomAD v4.1: 22 of 1,612,986 alleles (0.0014%); highest among the groups gnomAD compares: Middle Eastern, 0.017%; no homozygotes.

Submission:

Labcorp Genetics (formerly Invitae), Labcorp
Classification: Uncertain significance. Last evaluated: 2024-01-26. Review status: criteria provided, single submitter. Criteria: Invitae Variant Classification Sherloc (09022015). Collection method: clinical testing. Allele origin: germline.
Comment: This sequence change replaces serine, which is neutral and polar, with leucine, which is neutral and non-polar, at codon 289 of the KCNV2 protein (p.Ser289Leu). This variant is present in population databases (rs569992163, gnomAD 0.009%). This variant has not been reported in the literature in individuals affected with KCNV2-related conditions. ClinVar contains an entry for this variant (Variation ID: 961429). Advanced modeling of protein sequence and biophysical properties (such as structural, functional, and spatial information, amino acid conservation, physicochemical variation, residue mobility, and thermodynamic stability) performed at Invitae indicates that this missense variant is not expected to disrupt KCNV2 protein function with a negative predictive value of 80%. In summary, the available evidence is currently insufficient to determine the role of this variant in disease. Therefore, it has been classified as a Variant of Uncertain Significance.